The following is an entry in ClinVar:

ClinVar aggregate classification (germline): Conflicting classifications of pathogenicity. Review status: criteria provided, conflicting classifications (1 of 4 stars). 5 submissions from 5 submitters: Uncertain significance (4); Likely benign (1). Last evaluated 2025-05-28.

Conditions:
Hereditary cancer-predisposing syndrome. Also called: Tumor predisposition; Neoplastic Syndromes, Hereditary; Hereditary Cancer Syndrome; Hereditary neoplastic syndrome. Identifiers: Orphanet 140162, MedGen C0027672, MeSH D009386, MONDO:0015356.
Hereditary breast ovarian cancer syndrome. Also called: Hereditary breast and ovarian cancer syndrome; Hereditary breast and ovarian cancer; Hereditary breast and ovarian cancer syndrome (HBOC); Hereditary breast and/or ovarian cancer syndrome; Breast and ovarian cancer; BRCA1- and BRCA2-Associated Hereditary Breast and Ovarian Cancer. Identifiers: Orphanet 145, MedGen C0677776, MeSH D061325, MONDO:0003582. Disease mechanism: loss of function.

Allele frequency attached by ClinVar (database versions not stated): gnomAD exomes below 0.00001.
gnomAD v4.1: 2 of 1,613,806 alleles (0.00012%); highest among the groups gnomAD compares: South Asian, 0.0022%; no homozygotes.

Submissions (5):

Ambry Genetics
Classification: Uncertain significance for Hereditary cancer-predisposing syndrome. Last evaluated: 2025-05-28. Review status: criteria provided, single submitter. Criteria: Ambry Variant Classification Scheme 2023. Collection method: clinical testing. Allele origin: germline.
Comment: The p.V525A variant (also known as c.1574T>C), located in coding exon 9 of the BRCA1 gene, results from a T to C substitution at nucleotide position 1574. The valine at codon 525 is replaced by alanine, an amino acid with similar properties. This variant was detected in 1/141 patients with breast and/or ovarian cancer from India (Mannan AU et al. J Hum Genet, 2016 Jun;61:515-22). This amino acid position is not well conserved in available vertebrate species. In addition, the in silico prediction for this alteration is inconclusive. Based on the available evidence, the clinical significance of this variant remains unclear.

University of Washington Department of Laboratory Medicine, University of Washington
Classification: Likely benign for Hereditary cancer-predisposing syndrome. Last evaluated: 2023-03-23. Review status: criteria provided, single submitter. Criteria: Dines et al. (Genet Med. 2020). Collection method: curation. Allele origin: germline.
Comment: Missense variant in a coldspot region where missense variants are very unlikely to be pathogenic (PMID:31911673).

BRCA1 coldspot (exon 11 using historical exon numbering). Reclassification based on statistical prior probability

Labcorp Genetics (formerly Invitae), Labcorp
Classification: Uncertain significance for Hereditary breast ovarian cancer syndrome. Last evaluated: 2021-09-01. Review status: criteria provided, single submitter. Criteria: Invitae Variant Classification Sherloc (09022015). Collection method: clinical testing. Allele origin: germline.
Comment: This sequence change replaces valine with alanine at codon 525 of the BRCA1 protein (p.Val525Ala). The valine residue is moderately conserved and there is a small physicochemical difference between valine and alanine. This variant is not present in population databases (ExAC no frequency). This missense change has been observed in individual(s) with personal and/or family history of breast and/or ovarian cancer (PMID: 26911350, 29470806). ClinVar contains an entry for this variant (Variation ID: 245690). Algorithms developed to predict the effect of missense changes on protein structure and function (SIFT, PolyPhen-2, Align-GVGD) all suggest that this variant is likely to be tolerated. In summary, the available evidence is currently insufficient to determine the role of this variant in disease. Therefore, it has been classified as a Variant of Uncertain Significance.

Women's Health and Genetics/Laboratory Corporation of America, LabCorp
Classification: Uncertain significance. Last evaluated: 2019-09-23. Review status: criteria provided, single submitter. Criteria: LabCorp Variant Classification Summary - May 2015. Collection method: clinical testing. Allele origin: germline.
Comment: Variant summary: BRCA1 c.1574T>C (p.Val525Ala) results in a non-conservative amino acid change in the encoded protein sequence. Three of five in-silico tools predict a damaging effect of the variant on protein function. The variant was absent in 250234 control chromosomes (gnomAD). The available data on variant occurrences in the general population are insufficient to allow any conclusion about variant significance. c.1574T>C has been reported in the literature in an individual affected with Breast and/or Ovarian Cancer (Singh_2018). This report however, does not provide unequivocal conclusions about association of the variant with Hereditary Breast and Ovarian Cancer. To our knowledge, no experimental evidence demonstrating an impact on protein function has been reported. One ClinVar submitter (evaluation after 2014) cite the variant as uncertain significance. Based on the evidence outlined above, the variant was classified as uncertain significance.

GeneDx
Classification: Uncertain significance. Last evaluated: 2015-12-18. Review status: criteria provided, single submitter. Criteria: GeneDx Variant Classification (06012015). Collection method: clinical testing. Allele origin: germline. Affected: yes.
Comment: This variant is denoted BRCA1 c.1574T>C at the cDNA level, p.Val525Ala (V525A) at the protein level, and results in the change of a Valine to an Alanine (GTT>GCT). Using alternate nomenclature, this variant would be defined as BRCA1 1693T>C. This variant has not, to our knowledge, been published in the literature as pathogenic or benign. BRCA1 Val525Ala was not observed in approximately 6,500 individuals of European and African American ancestry in the NHLBI Exome Sequencing Project, indicating it is not a common benign variant in these populations. Since Valine and Alanine share similar properties, this is considered a conservative amino acid substitution. BRCA1 Val525Ala occurs at a position that is not conserved across species and is located within the DNA binding domain and in a region reported to interact with multiple proteins (Narod 2004, Paul 2014). In silico analyses predict that this variant is unlikely to alter protein structure or function. Based on currently available information, it is unclear whether BRCA1 Val525Ala is pathogenic or benign. We consider it to be a variant of uncertain significance.

Literature cited by the submitters: PubMed 26911350 (cited by 3 submitters); PubMed 29470806 (cited by Labcorp Genetics (formerly Invitae), Labcorp and Women's Health and Genetics/Laboratory Corporation of America, LabCorp).

NM_007294.4(BRCA1):c.1574T>C (p.Val525Ala)

Gene: BRCA1 (BRCA1 DNA repair associated; minus strand). Cytogenetic location: 17q21.31.
Variant type: single nucleotide variant.
Coding change: c.1574T>C on transcript NM_007294.4 (MANE Select); coding-DNA position 1574, T replaced by C.
Protein change: p.Val525Ala; replaces valine 525 with alanine.
Molecular consequence: missense variant. On other transcripts: intron variant (137).
Genome position (GRCh38, 1-based): chr17:43,093,957, A>G on the plus strand (T>C on the coding strand, the complement: BRCA1 is on the minus strand). VCF-style: chr17-43093957-A-G. GRCh37 (hg19) VCF-style: chr17-41245974-A-G.
Other names: c.1361T>C, p.Val454Ala (NM_001407571.1, NM_001407853.1, NM_001407894.1 and 9 more transcripts); c.1574T>C, p.Val525Ala (NM_001407581.1, NM_001407582.1, NM_001407583.1 and 30 more transcripts); c.1571T>C, p.Val524Ala (NM_001407587.1, NM_001407590.1, NM_001407591.1 and 22 more transcripts); c.1565T>C, p.Val522Ala (NM_001407646.1, NM_001407647.1); c.1451T>C, p.Val484Ala (NM_001407648.1, NM_001407664.1, NM_001407665.1 and 19 more transcripts); c.1448T>C, p.Val483Ala (NM_001407649.1, NM_001407670.1, NM_001407671.1 and 11 more transcripts); c.1496T>C, p.Val499Ala (NM_001407653.1, NM_001407654.1, NM_001407655.1 and 4 more transcripts); c.1493T>C, p.Val498Ala (NM_001407659.1, NM_001407660.1, NM_001407661.1 and 1 more transcripts); and 40 more; short protein forms V525A, V478A, V229A, V454A, V413A, V522A, V357A, V397A.
Identifiers: ClinVar variation 245690 (VCV000245690.16), dbSNP rs879253902, ClinGen allele CA10584571.